The following is an entry in ClinVar:

NM_003107.3(SOX4):c.356A>C (p.His119Pro)

Gene: SOX4 (SRY-box transcription factor 4; plus strand). Cytogenetic location: 6p22.3.
Variant type: single nucleotide variant.
Coding change: c.356A>C on transcript NM_003107.3 (MANE Select); coding-DNA position 356, A replaced by C.
Protein change: p.His119Pro; replaces histidine 119 with proline.
Molecular consequence: missense variant.
Genome position (GRCh38, 1-based): chr6:21,594,890, A>C. VCF-style: chr6-21594890-A-C. GRCh37 (hg19) VCF-style: chr6-21595121-A-C.
Other names: short protein forms H119P.
Identifiers: ClinVar variation 4992897 (VCV004992897.1).

ClinVar aggregate classification (germline): Uncertain significance (1 of 4 stars; one submission).

Conditions:
SOX4-related disorder. Also called: SOX4-related condition.

Submission:

PreventionGenetics, part of Exact Sciences
Classification: Uncertain significance for SOX4-related condition. Last evaluated: 2026-09-08. Review status: criteria provided, single submitter. Criteria: ACMG Guidelines, 2015. Collection method: clinical testing. Allele origin: germline.
Comment: The SOX4 c.356A>C variant is predicted to result in the amino acid substitution p.His119Pro. To our knowledge, this variant has not been reported in the literature or in a large population database (gnomAD), indicating this variant is rare. Although the p.His119Tyr variant was inherited from an unaffected parent, functional studies found it resulted in a loss-of-function (Grosse et al. 2023. PubMed ID: 36834931). Although we suspect that this variant may be pathogenic, at this time, the clinical significance of this variant is uncertain due to the absence of conclusive functional and genetic evidence.